The following is an entry in ClinVar:

ClinVar aggregate classification (germline): Conflicting classifications of pathogenicity. Review status: criteria provided, conflicting classifications (1 of 4 stars). 2 submissions from 2 submitters: Likely pathogenic (1); Uncertain significance (1). Last evaluated 2025-06-17.

Conditions:
Cardiovascular phenotype. Identifiers: MedGen CN230736.
Primary dilated cardiomyopathy (DCM). Also called: Dilated Cardiomyopathy. Identifiers: Orphanet 217604, MedGen C0007193, MeSH D002311, MONDO:0005021, HP:0001644. Inheritance: Various modes of inheritance.

gnomAD v4.1: 2 of 1,613,468 alleles (0.00012%); highest among the groups gnomAD compares: Non-Finnish European, 0.00017%; no homozygotes.

Submissions (2):

Ambry Genetics
Classification: Likely pathogenic for Cardiovascular phenotype. Last evaluated: 2025-06-17. Review status: criteria provided, single submitter. Criteria: Ambry Variant Classification Scheme 2023. Collection method: clinical testing. Allele origin: germline.
Comment: The p.Q3197* variant (also known as c.9589C>T), located in coding exon 40 of the TTN gene, results from a C to T substitution at nucleotide position 9589. This changes the amino acid from a glutamine to a stop codon within coding exon 40. This exon is located in the I-band region of the N2-B isoform of the titin protein and is constitutively expressed in TTN transcripts (percent spliced in or PSI 100%). This variant is considered to be rare based on population cohorts in the Genome Aggregation Database (gnomAD). This variant is expected to result in loss of function by premature protein truncation or nonsense-mediated mRNA decay. While truncating variants in TTN are present in 1-3% of the general population, truncating variants in the A-band are the most common cause of dilated cardiomyopathy (Herman DS et al. N. Engl. J. Med., 2012 Feb;366:619-28; Roberts AM et al. Sci Transl Med, 2015 Jan;7:270ra6). TTN truncating variants encoded in constitutive exons (PSI >90%) have been found to be significantly associated with DCM regardless of their position in titin (Schafer S et al. Nat. Genet., 2017 01;49:46-53; Akhtar MM et al. Circ Heart Fail, 2020 Oct;13:e006832; Massier M et al. Clin Genet, 2025 Jan). Based on the majority of available evidence to date, this variant is likely to be pathogenic.

Cardiovascular Biomedical Research Unit, Royal Brompton & Harefield NHS Foundation Trust
Classification: Uncertain significance for Primary dilated cardiomyopathy. Last evaluated: 2014-10-08. Review status: criteria provided, single submitter. Criteria: Roberts et al. 2015. Collection method: research. Allele origin: germline. Inheritance: Autosomal dominant inheritance. Affected: no. Observed: 1 variant allele. Study: FHS cohort.
Comment: In the seven cohorts assessed, TTNtv were found in 14% of ambulant DCM, 22% end-stage or familial DCM, and 2% controls. Heterozygous nonsense, frameshift and canonical splice-disrupting variants found in constitutive and other highly utilised exons are highly likely to be pathogenic when identified in individuals with phenotypically confirmed DCM. TTNtv found incidentally in healthy individuals (excluding familial assessment of DCM relatives) are thought to have low penetrance, particularly when identified in exons that are not constitutively expressed in the heart.

NM_001267550.2(TTN):c.9727C>T (p.Gln3243Ter)

Gene: TTN (titin; minus strand). Cytogenetic location: 2q31.2.
Variant type: single nucleotide variant.
Coding change: c.9727C>T on transcript NM_001267550.2 (MANE Select); coding-DNA position 9727, C replaced by T.
Protein change: p.Gln3243Ter; replaces glutamine 3243 with a stop codon.
Molecular consequence: nonsense.
Genome position (GRCh38, 1-based): chr2:178,764,788, G>A on the plus strand (C>T on the coding strand, the complement: TTN is on the minus strand). VCF-style: chr2-178764788-G-A. GRCh37 (hg19) VCF-style: chr2-179629515-G-A.
Other names: c.9727C>T (LRG_391t1); c.9727C>T, p.Gln3243Ter (NM_001256850.1, NM_133378.4, NM_133379.5); c.9589C>T, p.Gln3197Ter (NM_003319.4, NM_133432.3, NM_133437.4); short protein forms Q3243*, Q3197*.
Identifiers: ClinVar variation 223252 (VCV000223252.3), dbSNP rs869312093, ClinGen allele CA353322.
Genomic context (GRCh38, chr2:178,764,788, plus strand): 5'-ATATCACGGCACAGAAGCGGGCAGGCTTGCCAGACTGCACAGTGACAGGCTGGAGCTCCT[G>A]CAGAACTTGGGGCGGTTCAGGAGCTAGGAGTAAATGTTGACAAATAGCCCATGAAAAAGT-3'